The following is an entry in ClinVar:

NM_004036.5(ADCY3):c.2209G>C (p.Ala737Pro)

Gene: ADCY3 (adenylate cyclase 3; minus strand). Cytogenetic location: 2p23.3.
Variant type: single nucleotide variant.
Coding change: c.2209G>C on transcript NM_004036.5 (MANE Select); coding-DNA position 2209, G replaced by C.
Protein change: p.Ala737Pro; replaces alanine 737 with proline.
Molecular consequence: missense variant. On other transcripts: intron variant (2).
Genome position (GRCh38, 1-based): chr2:24,828,125, C>G on the plus strand (G>C on the coding strand, the complement: ADCY3 is on the minus strand). VCF-style: chr2-24828125-C-G. GRCh37 (hg19) VCF-style: chr2-25050994-C-G.
Other names: c.2209G>C, p.Ala737Pro (NM_001320613.2, NM_001377132.1); c.2275G>C, p.Ala759Pro (NM_001377128.1); c.1486G>C, p.Ala496Pro (NM_001377131.1); c.2172+2584G>C (NM_001377130.1); c.2173-102G>C (NM_001377129.1); short protein forms A496P, A737P, A759P.
Identifiers: ClinVar variation 4992943 (VCV004992943.1).

ClinVar aggregate classification (germline): Uncertain significance (1 of 4 stars; one submission).

Conditions:
ADCY3-related disorder. Also called: ADCY3-related condition.

Submission:

PreventionGenetics, part of Exact Sciences
Classification: Uncertain significance for ADCY3-related condition. Last evaluated: 2025-07-17. Review status: criteria provided, single submitter. Criteria: ACMG Guidelines, 2015. Collection method: clinical testing. Allele origin: germline.
Comment: The ADCY3 c.2209G>C variant is predicted to result in the amino acid substitution p.Ala737Pro. To our knowledge, this variant has not been reported in the literature or in a large population database (gnomAD), indicating this variant is rare. At this time, the clinical significance of this variant is uncertain due to the absence of conclusive functional and genetic evidence.